The following is an entry in ClinVar:

ClinVar aggregate classification (germline): Likely pathogenic (1 of 4 stars; one submission).

Conditions:
Hypertrophic cardiomyopathy. Also called: HYPERTROPHIC MYOCARDIOPATHY. Identifiers: Orphanet 217569, MedGen C0007194, MeSH D002312, MONDO:0005045, HP:0001639.

Submission:

Labcorp Genetics (formerly Invitae), Labcorp
Classification: Likely pathogenic for Hypertrophic cardiomyopathy. Last evaluated: 2021-04-30. Review status: criteria provided, single submitter. Criteria: Invitae Variant Classification Sherloc (09022015). Collection method: clinical testing. Allele origin: germline.
Comment: In summary, the currently available evidence indicates that the variant is pathogenic, but additional data are needed to prove that conclusively. Therefore, this variant has been classified as Likely Pathogenic. Algorithms developed to predict the effect of sequence changes on RNA splicing suggest that this variant may disrupt the consensus splice site, but this prediction has not been confirmed by published transcriptional studies. Disruption of this splice site has been observed in individual(s) with hypertrophic cardiomyopathy (PMID: 25351510, 27532257, 30297972). This variant is not present in population databases (ExAC no frequency). This sequence change affects an acceptor splice site in intron 25 of the MYBPC3 gene. It is expected to disrupt RNA splicing. Variants that disrupt the donor or acceptor splice site typically lead to a loss of protein function (PMID: 16199547), and loss-of-function variants in MYBPC3 are known to be pathogenic (PMID: 19574547).

Literature cited by the submitters: PubMed 25351510; PubMed 27532257; PubMed 30297972; PubMed 16199547; PubMed 19574547.

NM_000256.3(MYBPC3):c.2603-1G>A

Gene: MYBPC3 (myosin binding protein C3; minus strand). Cytogenetic location: 11p11.2.
Variant type: single nucleotide variant.
Coding change: c.2603-1G>A on transcript NM_000256.3 (MANE Select); the canonical splice acceptor site of the intron before coding-DNA position 2603, G replaced by A.
Molecular consequence: splice acceptor variant.
Genome position (GRCh38, 1-based): chr11:47,336,012, C>T on the plus strand (G>A on the coding strand, the complement: MYBPC3 is on the minus strand). VCF-style: chr11-47336012-C-T. GRCh37 (hg19) VCF-style: chr11-47357563-C-T.
Identifiers: ClinVar variation 1465603 (VCV001465603.8), dbSNP rs977277400, ClinGen allele CA380317469.